The following is an entry in ClinVar:

ClinVar aggregate classification (germline): Uncertain significance (1 of 4 stars; one submission).

Submission:

Labcorp Genetics (formerly Invitae), Labcorp
Classification: Uncertain significance. Last evaluated: 2023-05-16. Review status: criteria provided, single submitter. Criteria: Invitae Variant Classification Sherloc (09022015). Collection method: clinical testing. Allele origin: germline.
Comment: This sequence change replaces valine, which is neutral and non-polar, with isoleucine, which is neutral and non-polar, at codon 575 of the STT3A protein (p.Val575Ile). This variant is not present in population databases (gnomAD no frequency). This variant has not been reported in the literature in individuals affected with STT3A-related conditions. Advanced modeling of protein sequence and biophysical properties (such as structural, functional, and spatial information, amino acid conservation, physicochemical variation, residue mobility, and thermodynamic stability) has been performed at Invitae for this missense variant, however the output from this modeling did not meet the statistical confidence thresholds required to predict the impact of this variant on STT3A protein function. In summary, the available evidence is currently insufficient to determine the role of this variant in disease. Therefore, it has been classified as a Variant of Uncertain Significance.

NM_152713.5(STT3A):c.1723G>A (p.Val575Ile)

Gene: STT3A (STT3 oligosaccharyltransferase complex catalytic subunit A; plus strand). Cytogenetic location: 11q24.2.
Variant type: single nucleotide variant.
Coding change: c.1723G>A on transcript NM_152713.5 (MANE Select); coding-DNA position 1723, G replaced by A.
Protein change: p.Val575Ile; replaces valine 575 with isoleucine.
Molecular consequence: missense variant.
Genome position (GRCh38, 1-based): chr11:125,614,375, G>A. VCF-style: chr11-125614375-G-A. GRCh37 (hg19) VCF-style: chr11-125484270-G-A.
Other names: c.1723G>A, p.Val575Ile (NM_001278503.2); c.1447G>A, p.Val483Ile (NM_001278504.2); short protein forms V483I, V575I.
Identifiers: ClinVar variation 2865095 (VCV002865095.3), dbSNP rs2498184647, ClinGen allele CA383186709.